The following is an entry in ClinVar:

NM_139058.3(ARX):c.1142C>T (p.Ala381Val)

Gene: ARX (aristaless related homeobox; minus strand). Cytogenetic location: Xp21.3.
Variant type: single nucleotide variant.
Coding change: c.1142C>T on transcript NM_139058.3 (MANE Select); coding-DNA position 1142, C replaced by T.
Protein change: p.Ala381Val; replaces alanine 381 with valine.
Molecular consequence: missense variant.
Genome position (GRCh38, 1-based): chrX:25,007,417, G>A on the plus strand (C>T on the coding strand, the complement: ARX is on the minus strand). VCF-style: chrX-25007417-G-A. GRCh37 (hg19) VCF-style: chrX-25025534-G-A.
Other names: short protein forms A381V.
Identifiers: ClinVar variation 3602587 (VCV003602587.2).

ClinVar aggregate classification (germline): Conflicting classifications of pathogenicity. Review status: criteria provided, conflicting classifications (1 of 4 stars). 2 submissions from 2 submitters: Likely pathogenic (1); Uncertain significance (1). Last evaluated 2024-11-04.

Conditions:
Developmental and epileptic encephalopathy, 1 (DEE1). Also called: Epileptic encephalopathy, early infantile, 1; X-linked infantile spasms; West's syndrome; Tonic spasms with clustering, arrest of psychomotor development and hypsarrhythmia on EEG; X-Linked Infantile Spasm Syndrome; OHTAHARA SYNDROME, X-LINKED. Identifiers: MedGen C3463992, MONDO:0010632, OMIM 308350. Disease mechanism: loss of function.

Submissions (2):

Department of Human Genetics, Hannover Medical School
Classification: Likely pathogenic for Developmental and epileptic encephalopathy, 1. Last evaluated: 2024-11-04. Review status: criteria provided, single submitter. Criteria: ACMG Guidelines, 2015. Collection method: clinical testing. Allele origin: germline. Affected: yes.

Clinical Genomics Laboratory, Washington University in St. Louis
Classification: Uncertain significance for Developmental and epileptic encephalopathy, 1. Last evaluated: 2023-08-29. Review status: criteria provided, single submitter. Criteria: ACMG Guidelines, 2015. Collection method: clinical testing. Allele origin: germline.
Comment: The ARX c.1142C>T (p.Ala381Val) variant has not been reported in the medical literature to our knowledge. This variant resides within the homeobox region (amino acids 328-387) of ARX protein that is defined as a critical functional domain (Quinodoz M et al., PMID: 35120630). This variant is absent from the general population (gnomAD v.2.1.1), indicating it is not a common variant. Two different alleles at this locus have been reported in ClinVar, however, neither conveys convincing data on pathogenicity to locus. Computational predictors indicate that the variant is damaging, evidence that correlates with impact to ARX protein function. Due to limited information, and based on ACMG/AMP guidelines for variant interpretation (Richards S et al., PMID: 25741868), the clinical significance of this variant is uncertain at this time.